The following is an entry in ClinVar:

ClinVar aggregate classification (germline): Uncertain significance (1 of 4 stars; one submission).

Submission:

Labcorp Genetics (formerly Invitae), Labcorp
Classification: Uncertain significance. Last evaluated: 2022-03-23. Review status: criteria provided, single submitter. Criteria: Invitae Variant Classification Sherloc (09022015). Collection method: clinical testing. Allele origin: germline.
Comment: In summary, the available evidence is currently insufficient to determine the role of this variant in disease. Therefore, it has been classified as a Variant of Uncertain Significance. Algorithms developed to predict the effect of missense changes on protein structure and function are either unavailable or do not agree on the potential impact of this missense change (SIFT: "Tolerated"; PolyPhen-2: "Possibly Damaging"; Align-GVGD: "Class C0"). This variant has not been reported in the literature in individuals affected with TOPORS-related conditions. This variant is not present in population databases (gnomAD no frequency). This sequence change replaces arginine, which is basic and polar, with threonine, which is neutral and polar, at codon 221 of the TOPORS protein (p.Arg221Thr).

NM_005802.5(TOPORS):c.662G>C (p.Arg221Thr)

Gene: TOPORS (TOP1 binding arginine/serine rich protein, E3 ubiquitin ligase; minus strand). Cytogenetic location: 9p21.1.
Variant type: single nucleotide variant.
Coding change: c.662G>C on transcript NM_005802.5 (MANE Select); coding-DNA position 662, G replaced by C.
Protein change: p.Arg221Thr; replaces arginine 221 with threonine.
Molecular consequence: missense variant.
Genome position (GRCh38, 1-based): chr9:32,543,863, C>G on the plus strand (G>C on the coding strand, the complement: TOPORS is on the minus strand). VCF-style: chr9-32543863-C-G. GRCh37 (hg19) VCF-style: chr9-32543861-C-G.
Other names: c.467G>C, p.Arg156Thr (NM_001195622.2); short protein forms R156T, R221T.
Identifiers: ClinVar variation 2116241 (VCV002116241.4), dbSNP rs2489453982, ClinGen allele CA373172160.